The following is an entry in ClinVar:

NM_000426.4(LAMA2):c.5302A>G (p.Met1768Val)

Gene: LAMA2 (laminin subunit alpha 2; plus strand). Cytogenetic location: 6q22.33.
Variant type: single nucleotide variant.
Coding change: c.5302A>G on transcript NM_000426.4 (MANE Select); coding-DNA position 5302, A replaced by G.
Protein change: p.Met1768Val; replaces methionine 1768 with valine.
Molecular consequence: missense variant.
Genome position (GRCh38, 1-based): chr6:129,393,112, A>G. VCF-style: chr6-129393112-A-G. GRCh37 (hg19) VCF-style: chr6-129714257-A-G.
Other names: c.5302A>G, p.Met1768Val (NM_001079823.2); short protein forms M1768V.
Identifiers: ClinVar variation 1402465 (VCV001402465.5), dbSNP rs1230228984, ClinGen allele CA365614697.

ClinVar aggregate classification (germline): Uncertain significance (1 of 4 stars; one submission).

Conditions:
LAMA2-related muscular dystrophy (LAMA2-RD). Also called: Laminin alpha 2-related dystrophy. Identifiers: MedGen C5679788, MONDO:0100228.

Allele frequency attached by ClinVar (database versions not stated): gnomAD exomes below 0.00001.

Submission:

Labcorp Genetics (formerly Invitae), Labcorp
Classification: Uncertain significance for LAMA2-related muscular dystrophy. Last evaluated: 2021-09-17. Review status: criteria provided, single submitter. Criteria: Invitae Variant Classification Sherloc (09022015). Collection method: clinical testing. Allele origin: germline.
Comment: This sequence change replaces methionine with valine at codon 1768 of the LAMA2 protein (p.Met1768Val). The methionine residue is weakly conserved and there is a small physicochemical difference between methionine and valine. This variant is not present in population databases (ExAC no frequency). This variant has not been reported in the literature in individuals with LAMA2-related conditions. Advanced modeling of protein sequence and biophysical properties (such as structural, functional, and spatial information, amino acid conservation, physicochemical variation, residue mobility, and thermodynamic stability) performed at Invitae indicates that this missense variant is not expected to disrupt LAMA2 protein function. In summary, the available evidence is currently insufficient to determine the role of this variant in disease. Therefore, it has been classified as a Variant of Uncertain Significance.